The following is an entry in ClinVar:

NM_001298.3(CNGA3):c.101+1G>A

Gene: CNGA3 (cyclic nucleotide gated channel subunit alpha 3; plus strand). Cytogenetic location: 2q11.2.
Variant type: single nucleotide variant.
Coding change: c.101+1G>A on transcript NM_001298.3 (MANE Select); the canonical splice donor site of the intron after coding-DNA position 101, G replaced by A.
Molecular consequence: splice donor variant.
Genome position (GRCh38, 1-based): chr2:98,370,077, G>A. VCF-style: chr2-98370077-G-A. GRCh37 (hg19) VCF-style: chr2-98986540-G-A.
Other names: c.101+1G>A (NM_001079878.2).
Identifiers: ClinVar variation 208567 (VCV000208567.35), dbSNP rs147118493, ClinGen allele CA275986.
Genomic context (GRCh38, chr2:98,370,077, plus strand): 5'-CCACCTCAAGGTAAAGACCTCAGACCGAGATCTCAATCGCGCTGAAAATGGCCTCAGCAG[G>A]TAAGATGGGCTAAGATGGGCTTTTCATTTTATGCCTGGCTCTGGTCATTTCCACAGCTGA-3'

ClinVar aggregate classification (germline): Conflicting classifications of pathogenicity. Review status: criteria provided, conflicting classifications (1 of 4 stars). 12 submissions from 12 submitters: Pathogenic (3); Likely pathogenic (5); Uncertain significance (1); Likely benign (1). 2 of the submissions do not count toward it. Last evaluated 2026-04-22.

Conditions:
CNGA3-related disorders.
CNGA3-related disorder. Also called: CNGA3-related condition.
Achromatopsia 2 (ACHM2). Also called: COLORBLINDNESS, TOTAL; ROD MONOCHROMACY 2; ROD MONOCHROMATISM 2. Identifiers: Orphanet 49382, MedGen C1857618, MONDO:0009003, OMIM 216900.
Cone-rod dystrophy. Also called: Cone/cone-rod dystrophy; Cone-rod degeneration. Identifiers: Orphanet 1872, MedGen C4085590, MONDO:0015993, HP:0000548.

Allele frequency attached by ClinVar (database versions not stated): ExAC 0.00028; ESP Exome Variant Server 0.00062; gnomAD 0.00013 and 0.00014; gnomAD exomes 0.00014 and 0.00026; TOPMed 0.00017.
gnomAD v4.1: 250 of 1,608,538 alleles (0.016%); highest among the groups gnomAD compares: Middle Eastern, 0.049%; 1 homozygote.

Submissions (12):

PreventionGenetics, part of Exact Sciences
Classification: Likely pathogenic for CNGA3-related condition. Last evaluated: 2026-04-22. Review status: criteria provided, single submitter. Criteria: ACMG Guidelines, 2015. Collection method: clinical testing. Allele origin: germline.
Comment: The CNGA3 c.101+1G>A variant is predicted to disrupt the GT donor site and interfere with normal splicing. This has been reported in the homozygous state in three individuals with achromatopsia; however, two of these individuals were also homozygous for a truncating variant (p.Arg221*) (Abdelkader et al. 2018. PubMed ID: 30289319). This variant has also been reported in a large cohort study of retinal disease (Table S2, Sharon et al. 2020. PubMed ID: 31456290). This variant is reported in 0.56% of alleles in individuals of Ashkenazi Jewish descent in gnomAD, indicating it is relatively common in this population. Variants that disrupt the consensus splice donor site in CNGA3 are expected to be pathogenic. This variant is interpreted as likely pathogenic.

First Genomix Gene Laboratory, Genetic Diagnostics Department
Classification: Likely pathogenic for Achromatopsia 2. Last evaluated: 2025-10-03. Review status: criteria provided, single submitter. Criteria: ACMG Guidelines, 2015. Collection method: clinical testing. Allele origin: germline. Inheritance: Autosomal recessive inheritance. Affected: no. Observed: 1 variant allele.

Labcorp Genetics (formerly Invitae), Labcorp
Classification: Likely benign. Last evaluated: 2025-03-17. Review status: criteria provided, single submitter. Criteria: Invitae Variant Classification Sherloc (09022015). Collection method: clinical testing. Allele origin: germline.

GeneDx
Classification: Pathogenic. Last evaluated: 2024-12-10. Review status: criteria provided, single submitter. Criteria: GeneDx Variant Classification Process June 2021. Collection method: clinical testing. Allele origin: germline. Affected: yes.
Comment: Canonical splice site variant predicted to result in a null allele in a gene for which loss of function is a known mechanism of disease; This variant is associated with the following publications: (PMID: 31589614, 11536077, 30289319, 31980526, 35332618, 36801918, 31456290, 37644014, 31964843, 38155673)

Fulgent Genetics
Classification: Likely pathogenic for Achromatopsia 2. Last evaluated: 2024-04-09. Review status: criteria provided, single submitter. Criteria: ACMG Guidelines, 2015. Collection method: clinical testing. Allele origin: germline.

Genomic Medicine Center of Excellence, King Faisal Specialist Hospital and Research Centre
Classification: Uncertain significance for Achromatopsia 2. Last evaluated: 2024-04-04. Review status: criteria provided, single submitter. Criteria: ACMG Guidelines, 2015. Collection method: clinical testing. Allele origin: germline.

Blueprint Genetics
Classification: Pathogenic for CNGA3-related disorders. Last evaluated: 2023-08-08. Review status: criteria provided, single submitter. Criteria: ACMG Guidelines, 2015. Collection method: clinical testing. Allele origin: germline. Affected: yes. Observed: 5 variant alleles.

Revvity Omics, Revvity
Classification: Likely pathogenic for Achromatopsia 2. Last evaluated: 2022-09-20. Review status: criteria provided, single submitter. Criteria: ACMG Guidelines, 2015. Collection method: clinical testing. Allele origin: germline.

Laboratory for Molecular Medicine, Mass General Brigham Personalized Medicine
Classification: Likely pathogenic for Achromatopsia 2. Last evaluated: 2014-10-20. Review status: criteria provided, single submitter. Criteria: LMM Criteria. Collection method: clinical testing. Allele origin: germline. Inheritance: Autosomal recessive inheritance. Observed: 1 variant allele. Study: CSER-MedSeq.
Comment: The c.101+1G>A variant in CNGA3 has not been previously reported in individuals with achromatopsia, but has been identified in 0.08% (7/8600) of European American chromosomes and 0.02% (1/4406) of African American chromosomes by the NHLBI Exome Sequencing Project (dbSNP rs147118493). Although this variant has been seen in the general population, its frequency is low enough to be consistent with a recessive carrier frequency. This variant occurs in the invariant region (+/- 1,2) of the splice consensus sequence and is predicted to cause altered splicing leading to an abnormal or absent protein. Complete loss of CNGA3 function is an established disease mechanism in individuals with achromatopsia (Wissinger 2001). In summary, although additional studies are required to fully establish its clinical significance, the c.101+1G>A variant is likely pathogenic.

Kariminejad - Najmabadi Pathology & Genetics Center
Classification: Pathogenic for Achromatopsia 2. Review status: criteria provided, single submitter. Criteria: ACMG Guidelines, 2015. Collection method: clinical testing. Allele origin: germline. Affected: no.

Reproductive Health Research and Development, BGI Genomics
Classification: Pathogenic for Achromatopsia 2. Last evaluated: 2020-01-06. Review status: no assertion criteria provided. Collection method: curation. Allele origin: germline. Not counted in ClinVar's aggregate classification.
Comment: NG_009097.1(NM_001298.2):c.101+1G>A in the CNGA3 gene has an allele frequency of 0.006 in Ashkenazi Jewish subpopulation in the gnomAD database. The CNGA3 c.101+1G>A variant occurs in a canonical splice site (donor) and is therefore predicted to disrupt or distort the normal gene product. This variant has been reported in one study and found in three unrelated individuals from consanguineous families affected with achromatopsia in a homozygous state (PMID: 30289319). Taken together, we interprete this variant as Pathogenic/Likely pathogenic. ACMG/AMP Criteria applied: PVS1, PM3_Supporting, PP4.

Sharon lab, Hadassah-Hebrew University Medical Center
Classification: Pathogenic for Cone-rod degeneration. Last evaluated: 2019-06-23. Review status: no assertion criteria provided. Collection method: research. Allele origin: inherited. Affected: yes. Not counted in ClinVar's aggregate classification.

Literature cited by the submitters: PubMed 11536077 (cited by Laboratory for Molecular Medicine, Mass General Brigham Personalized Medicine).